The following is an entry in ClinVar:

ClinVar aggregate classification (germline): Pathogenic. Review status: no assertion criteria provided (0 of 4 stars). 2 submissions from 1 submitter: Pathogenic (2).

Conditions:
Breast-ovarian cancer, familial, susceptibility to, 1 (BROVCA1). Also called: BRCA1 Hereditary Breast and Ovarian Cancer; OVARIAN CANCER, SUSCEPTIBILITY TO. Identifiers: Orphanet 145, MedGen C2676676, MONDO:0011450, OMIM 604370. Disease mechanism: loss of function.
Malignant tumor of breast. Also called: Malignant breast neoplasm; Cancer breast. Identifiers: MedGen C0006142, MONDO:0007254. Disease mechanism: loss of function.

Submissions (2):

Department of Pathology and Laboratory Medicine, Sinai Health System
Classification: Pathogenic for Malignant tumor of breast. Review status: no assertion criteria provided. Collection method: clinical testing. Allele origin: unknown. Affected: yes. Observed: 4 variant alleles. Study: The Canadian Open Genetics Repository (COGR).
Comment: The c.1-?_80+?del deletion has been previously observed in 3 individuals with breast cancer by our laboratory, and has also been reported in the UMD database (x23) as well as in the literature in 18 out of 5360 probrand chromosomes of individuals with hereditary breast and ovarian cancer (Swensen 1997, Sluiter 2011, Engert 2008, Montagna 2003, Puget 2002, Puget 1999b, Walsh 2006, Vasickova 2007, Preisler-Adams 2006, Suela 2008). The rearrangement was not observed in any of the 734 control chromosomes. In addition, in two studies where this variant was identified, the mutation segregated in four families (17 meioses) with breast and ovarian cancer (Engert 2008, Puget 1999b). This alteration is predicted to lead to an absent protein and loss of function. Loss of function of the BRCA1 gene is an established disease mechanism in hereditary breast and ovarian cancer patients. In summary, based on the above information, this variant is classified as Pathogenic.

Department of Pathology and Laboratory Medicine, Sinai Health System
Classification: Pathogenic for Breast-ovarian cancer, familial, susceptibility to, 1. Review status: no assertion criteria provided. Collection method: clinical testing. Allele origin: unknown. Affected: yes. Observed: 4 variant alleles. Study: The Canadian Open Genetics Repository (COGR).
Comment: the same text as in the submission from Department of Pathology and Laboratory Medicine, Sinai Health System above.

NM_007294.4(BRCA1):c.2_80+4del

Gene: BRCA1 (BRCA1 DNA repair associated; minus strand). Cytogenetic location: 17q21.31.
Variant type: Deletion.
Coding change: c.2_80+4del on transcript NM_007294.4 (MANE Select); coding-DNA position 2 through 4 bases into the intron after coding-DNA position 80, 83 bases deleted.
Molecular consequence: splice donor variant, initiator codon variant. On other transcripts: intron variant (36).
Genome position (GRCh38, 1-based): chr17:43,124,013-43,124,095, 83 bases deleted. GRCh37 (hg19): chr17:41,276,032-41,276,114.
Other names: c.-61-8316_-61-8234del (NM_001408458.1); c.-219+1182_-219+1264del (NM_001407967.1); c.-170+1182_-170+1264del (NM_001407959.1); c.-8+1182_-8+1264del (NM_001407931.1, NM_001407747.1); c.-224+1182_-224+1264del (NM_001407962.1, NM_001408512.1, NM_001408510.1); c.-109+1182_-109+1264del (NM_001407885.1); c.-62+1182_-62+1264del (NM_001408470.1, NM_001407848.1, NM_001407839.1 and 6 more transcripts); c.-178+1182_-178+1264del (NM_001407746.1); and 23 more.
Identifiers: ClinVar variation 1049567 (VCV001049567.3), dbSNP rs2154576469, ClinGen allele CA2499224634.